The following is an entry in ClinVar:

ClinVar aggregate classification (germline): Conflicting classifications of pathogenicity. Review status: criteria provided, conflicting classifications (1 of 4 stars). 16 submissions from 16 submitters: Uncertain significance (1); Benign (2); Likely benign (11). 2 of the submissions do not count toward it. Last evaluated 2026-02-03.

Conditions:
Hereditary cancer-predisposing syndrome. Also called: Tumor predisposition; Hereditary neoplastic syndrome; Neoplastic Syndromes, Hereditary; Hereditary Cancer Syndrome. Identifiers: Orphanet 140162, MedGen C0027672, MeSH D009386, MONDO:0015356.
Familial cancer of breast. Also called: Hereditary breast cancer; BREAST CANCER, FAMILIAL; hereditary breast carcinoma. Identifiers: Orphanet 227535, MedGen C0346153, MONDO:0016419, OMIM 114480. Disease mechanism: loss of function.
Fanconi anemia complementation group N. Also called: PALB2-Related Fanconi Anemia. Identifiers: Orphanet 84, MedGen C1835817, MONDO:0012565, OMIM 610832. Disease mechanism: loss of function.

Allele frequency attached by ClinVar (database versions not stated): gnomAD exomes 0.00006 and 0.00026; TOPMed 0.00007; ExAC 0.00008; gnomAD 0.00008 and 0.00009; 1000 Genomes Project 30x 0.00016; 1000 Genomes Project 0.00020.
gnomAD v4.1: 376 of 1,613,052 alleles (0.023%); highest among the groups gnomAD compares: Non-Finnish European, 0.031%; no homozygotes.

Submissions (16):

Labcorp Genetics (formerly Invitae), Labcorp
Classification: Likely benign for Familial cancer of breast. Last evaluated: 2026-02-03. Review status: criteria provided, single submitter. Criteria: Invitae Variant Classification Sherloc (09022015). Collection method: clinical testing. Allele origin: germline.

Mayo Clinic Laboratories, Mayo Clinic
Classification: Likely benign. Last evaluated: 2025-11-28. Review status: criteria provided, single submitter. Criteria: ACMG Guidelines, 2015. Collection method: clinical testing. Allele origin: germline. Observed: 1 variant allele.
Comment: BP4, BP7

ARUP Laboratories, Molecular Genetics and Genomics, ARUP Laboratories
Classification: Likely benign. Last evaluated: 2025-05-27. Review status: criteria provided, single submitter. Criteria: ARUP Molecular Germline Variant Investigation Process 2024. Collection method: clinical testing. Allele origin: germline.

Center for Genomic Medicine, Rigshospitalet, Copenhagen University Hospital
Classification: Likely benign. Last evaluated: 2025-03-04. Review status: criteria provided, single submitter. Criteria: ACMG Guidelines, 2015. Collection method: clinical testing. Allele origin: germline.

Blueprint Genetics
Classification: Likely benign. Last evaluated: 2024-10-29. Review status: criteria provided, single submitter. Criteria: ACMG Guidelines, 2015. Collection method: clinical testing. Allele origin: germline.

Myriad Genetics, Inc.
Classification: Benign for Familial cancer of breast. Last evaluated: 2023-03-31. Review status: criteria provided, single submitter. Criteria: Myriad Autosomal Dominant, Autosomal Recessive and X-Linked Classification Criteria (2023). Collection method: clinical testing. Allele origin: unknown.
Comment: This variant is considered benign. This variant is a silent/synonymous amino acid change and it is not expected to impact splicing.

Sema4
Classification: Likely benign for Hereditary cancer-predisposing syndrome. Last evaluated: 2022-02-02. Review status: criteria provided, single submitter. Criteria: Sema4 Curation Guidelines. Collection method: curation. Allele origin: germline.

Genetic Services Laboratory, University of Chicago
Classification: Likely benign. Last evaluated: 2020-03-31. Review status: criteria provided, single submitter. Criteria: ACMG Guidelines, 2015. Collection method: clinical testing. Allele origin: germline. Affected: no.

Women's Health and Genetics/Laboratory Corporation of America, LabCorp
Classification: Likely benign. Last evaluated: 2019-08-29. Review status: criteria provided, single submitter. Criteria: LabCorp Variant Classification Summary - May 2015. Collection method: clinical testing. Allele origin: germline.

Illumina Laboratory Services, Illumina
Classification: Uncertain significance for Fanconi anemia complementation group N. Last evaluated: 2018-01-13. Review status: criteria provided, single submitter. Criteria: ICSL Variant Classification Criteria 13 December 2019. Collection method: clinical testing. Allele origin: germline.

Color Diagnostics, LLC DBA Color Health
Classification: Likely benign for Hereditary cancer-predisposing syndrome. Last evaluated: 2015-08-13. Review status: criteria provided, single submitter. Criteria: ACMG Guidelines, 2015. Collection method: clinical testing. Allele origin: germline.

Cancer Genetics Laboratory, Peter MacCallum Cancer Centre
Classification: Likely benign for Familial cancer of breast. Last evaluated: 2015-06-01. Review status: criteria provided, single submitter. Criteria: Thompson et al. (Breast Cancer Res. 2015). Collection method: case-control. Allele origin: germline. Affected: yes and no. Observed: 2 variant alleles, 2 heterozygotes.

GeneDx
Classification: Benign. Last evaluated: 2014-08-01. Review status: criteria provided, single submitter. Criteria: GeneDx Variant Classification (06012015). Collection method: clinical testing. Allele origin: germline. Affected: yes.
Comment: This variant is considered likely benign or benign based on one or more of the following criteria: it is a conservative change, it occurs at a poorly conserved position in the protein, it is predicted to be benign by multiple in silico algorithms, and/or has population frequency not consistent with disease.

Ambry Genetics
Classification: Likely benign for Hereditary cancer-predisposing syndrome. Last evaluated: 2014-06-18. Review status: criteria provided, single submitter. Criteria: Ambry Variant Classification Scheme 2023. Collection method: clinical testing. Allele origin: germline.

Counsyl
Classification: Likely benign for Familial cancer of breast. Last evaluated: 2015-12-04. Review status: no assertion criteria provided. Collection method: clinical testing. Allele origin: unknown. Not counted in ClinVar's aggregate classification.

Department of Pathology and Laboratory Medicine, Sinai Health System
Classification: Likely benign. Review status: no assertion criteria provided. Collection method: clinical testing. Allele origin: unknown. Affected: yes. Study: The Canadian Open Genetics Repository (COGR). Not counted in ClinVar's aggregate classification.
Comment: The PALB2 p.Pro4= variant was not identified in the literature nor was it identified in the LOVD 3.0. The variant was identified in dbSNP (ID: rs567706422) as "With other allele", and ClinVar (classified as benign by GeneDx; as likely benign by six submitters; as uncertain significance by Integrated Genetics/Laboratory Corporation of America). The variant was identified in control databases in 16 of 273234 chromosomes at a frequency of 0.000059 (Genome Aggregation Database Feb 27, 2017). The variant was observed in the following populations: African in 1 of 23578 chromosomes (freq: 0.000042), Other in 1 of 6400 chromosomes (freq: 0.00016), European in 14 of 124134 chromosomes (freq: 0.0001), while the variant was not observed in the Latino, Ashkenazi Jewish, East Asian, Finnish, and South Asian populations. The p.Pro4= variant is not expected to have clinical significance because it does not result in a change of amino acid and is not located in a known consensus splice site. In addition, in silico or computational prediction software programs (SpliceSiteFinder, MaxEntScan, NNSPLICE, GeneSplicer) do not predict a difference in splicing. In summary, based on the above information the clinical significance of this variant cannot be determined with certainty at this time although we would lean towards a more benign role for this variant. This variant is classified as likely benign.

NM_024675.4(PALB2):c.12T>C (p.Pro4=)

Gene: PALB2 (partner and localizer of BRCA2; minus strand). Cytogenetic location: 16p12.2.
Variant type: single nucleotide variant.
Coding change: c.12T>C on transcript NM_024675.4 (MANE Select); coding-DNA position 12, T replaced by C.
Protein change: p.Pro4=; no amino-acid change (proline 4 retained).
Molecular consequence: synonymous variant.
Genome position (GRCh38, 1-based): chr16:23,641,146, A>G on the plus strand (T>C on the coding strand, the complement: PALB2 is on the minus strand). VCF-style: chr16-23641146-A-G. GRCh37 (hg19) VCF-style: chr16-23652467-A-G.
Other names: p.P4P:CCT>CCC; p.Pro4=.
Identifiers: ClinVar variation 136128 (VCV000136128.49), dbSNP rs567706422, ClinGen allele CA299688.